The following is an entry in ClinVar:

NM_001042492.3(NF1):c.4405A>G (p.Lys1469Glu)

Gene: NF1 (neurofibromin 1; plus strand). Cytogenetic location: 17q11.2.
Variant type: single nucleotide variant.
Coding change: c.4405A>G on transcript NM_001042492.3 (MANE Select); coding-DNA position 4405, A replaced by G.
Protein change: p.Lys1469Glu; replaces lysine 1469 with glutamic acid.
Molecular consequence: missense variant.
Genome position (GRCh38, 1-based): chr17:31,259,104, A>G. VCF-style: chr17-31259104-A-G. GRCh37 (hg19) VCF-style: chr17-29586122-A-G.
Other names: c.4342A>G, p.Lys1448Glu (NM_000267.4); short protein forms K1448E, K1469E.
Identifiers: ClinVar variation 2677184 (VCV002677184.2), dbSNP rs1567862353, ClinGen allele CA398998931.

ClinVar aggregate classification (germline): Uncertain significance. Review status: criteria provided, multiple submitters, no conflicts (2 of 4 stars). 2 submissions from 2 submitters: Uncertain significance (2). Last evaluated 2025-07-15.

Conditions:
Cardiovascular phenotype. Identifiers: MedGen CN230736.
Hereditary cancer-predisposing syndrome. Also called: Neoplastic Syndromes, Hereditary; Tumor predisposition; Hereditary Cancer Syndrome; Hereditary neoplastic syndrome. Identifiers: Orphanet 140162, MedGen C0027672, MeSH D009386, MONDO:0015356.
Juvenile myelomonocytic leukemia (JMML). Also called: LEUKEMIA, JUVENILE MYELOMONOCYTIC, SOMATIC. Identifiers: Orphanet 86834, MedGen C0349639, MONDO:0011908, OMIM 607785, HP:0012209.

Submissions (2):

Ambry Genetics
Classification: Uncertain significance for Cardiovascular phenotype; Hereditary cancer-predisposing syndrome. Last evaluated: 2025-07-15. Review status: criteria provided, single submitter. Criteria: Ambry Variant Classification Scheme 2023. Collection method: clinical testing. Allele origin: germline.
Comment: The p.K1448E variant (also known as c.4342A>G), located in coding exon 32 of the NF1 gene, results from an A to G substitution at nucleotide position 4342. The lysine at codon 1448 is replaced by glutamic acid, an amino acid with similar properties. This amino acid position is conserved. In addition, this alteration is predicted to be deleterious by in silico analysis. Based on the available evidence, the clinical significance of this variant remains unclear.

Baylor Genetics
Classification: Uncertain significance for Juvenile myelomonocytic leukemia. Last evaluated: 2023-09-20. Review status: criteria provided, single submitter. Criteria: ACMG Guidelines, 2015. Collection method: clinical testing. Allele origin: unknown.